The following is an entry in ClinVar:

NM_004260.4(RECQL4):c.212A>G (p.Glu71Gly)

Gene: RECQL4 (RecQ like helicase 4; minus strand). Cytogenetic location: 8q24.3.
Variant type: single nucleotide variant.
Coding change: c.212A>G on transcript NM_004260.4 (MANE Select); coding-DNA position 212, A replaced by G.
Protein change: p.Glu71Gly; replaces glutamic acid 71 with glycine.
Molecular consequence: missense variant.
Genome position (GRCh38, 1-based): chr8:144,517,415, T>C on the plus strand (A>G on the coding strand, the complement: RECQL4 is on the minus strand). VCF-style: chr8-144517415-T-C. GRCh37 (hg19) VCF-style: chr8-145742799-T-C.
Other names: p.Glu71Gly; short protein forms E71G.
Identifiers: ClinVar variation 135158 (VCV000135158.26), dbSNP rs34642881, ClinGen allele CA161873.

ClinVar aggregate classification (germline): Benign/Likely benign. Review status: criteria provided, multiple submitters, no conflicts (2 of 4 stars). 14 submissions from 14 submitters: Benign (10); Likely benign (1). 3 of the submissions do not count toward it. Last evaluated 2026-02-04.

Conditions:
Rothmund-Thomson syndrome type 2 (RTS2). Identifiers: Orphanet 221016, MedGen C5203410, MONDO:0016369, OMIM 268400.
Baller-Gerold syndrome (BGS). Also called: CRANIOSYNOSTOSIS WITH RADIAL DEFECTS. Identifiers: Orphanet 1225, MedGen C0265308, MONDO:0009039, OMIM 218600.
Rapadilino syndrome. Identifiers: Orphanet 3021, MedGen C1849453, MONDO:0009955, OMIM 266280.
Hereditary cancer-predisposing syndrome. Also called: Tumor predisposition; Neoplastic Syndromes, Hereditary; Hereditary neoplastic syndrome; Hereditary Cancer Syndrome. Identifiers: Orphanet 140162, MedGen C0027672, MeSH D009386, MONDO:0015356.

Allele frequency attached by ClinVar (database versions not stated): TOPMed 0.01078; 1000 Genomes Project 0.02935; ESP Exome Variant Server 0.00339; 1000 Genomes Project 30x 0.02967.
gnomAD v4.1: 19,936 of 1,569,994 alleles (1.3%); highest among the groups gnomAD compares: South Asian, 5.8%; 437 homozygotes.

Submissions 1 to 30 of 47:

Labcorp Genetics (formerly Invitae), Labcorp
Classification: Benign for Baller-Gerold syndrome. Last evaluated: 2026-02-04. Review status: criteria provided, single submitter. Criteria: Invitae Variant Classification Sherloc (09022015). Collection method: clinical testing. Allele origin: germline.

Mayo Clinic Laboratories, Mayo Clinic
Classification: Benign. Last evaluated: 2025-09-17. Review status: criteria provided, single submitter. Criteria: ACMG Guidelines, 2015. Collection method: clinical testing. Allele origin: germline. Observed: 13 variant alleles.
Comment: BA1

Blueprint Genetics
Classification: Likely benign. Last evaluated: 2024-11-26. Review status: criteria provided, single submitter. Criteria: ACMG Guidelines, 2015. Collection method: clinical testing. Allele origin: germline.

KCCC/NGS Laboratory, Kuwait Cancer Control Center
Classification: Benign for Rothmund-Thomson syndrome type 2. Last evaluated: 2023-07-07. Review status: criteria provided, single submitter. Criteria: ACMG Guidelines, 2015. Collection method: clinical testing. Allele origin: germline. Affected: yes.

Department of Pathology and Laboratory Medicine, Sinai Health System
Classification: Benign for Baller-Gerold syndrome; Rapadilino syndrome; Rothmund-Thomson syndrome type 2. Last evaluated: 2021-08-12. Review status: criteria provided, single submitter. Criteria: ACMG Guidelines, 2015. Collection method: research. Allele origin: germline.

Sema4
Classification: Benign for Hereditary cancer-predisposing syndrome. Last evaluated: 2019-12-09. Review status: criteria provided, single submitter. Criteria: Sema4 Curation Guidelines. Collection method: curation. Allele origin: germline.

GeneDx
Classification: Benign. Last evaluated: 2018-11-29. Review status: criteria provided, single submitter. Criteria: GeneDx Variant Classification Process June 2021. Collection method: clinical testing. Allele origin: germline. Affected: yes.
Comment: This variant is associated with the following publications: (PMID: 30651579, 12734318)

Eurofins Ntd Llc (ga)
Classification: Benign. Last evaluated: 2016-03-23. Review status: criteria provided, single submitter. Criteria: EGL Classification Definitions 2015. Collection method: clinical testing. Allele origin: germline. Observed: 9 variant alleles, 9 heterozygotes.

Breakthrough Genomics
Classification: Benign. Review status: criteria provided, single submitter. Criteria: ACMG Guidelines, 2015. Collection method: not provided. Allele origin: germline. Inheritance: Autosomal recessive inheritance. Affected: yes.

Center for Genomics, Ann and Robert H. Lurie Children's Hospital of Chicago
Classification: Benign for Baller-Gerold syndrome; Rothmund-Thomson syndrome type 2; Rapadilino syndrome. Review status: criteria provided, single submitter. Criteria: ACMG Guidelines, 2015. Collection method: clinical testing. Allele origin: germline.
Comment: This variant has been reported in the literature in at least 2 individuals: 1 with Rothmund-Thomson syndrome and 1 with sagittal craniosynostosis (Wang 2003 PMID:12734318, Sewda 2019 PMID:30651579). However, this variant is present in the Genome Aggregation Database (Highest reported MAF 4.7% (719/15286) including 41 homozygotes. This variant is present in ClinVar, with several labs classifying this variant as Benign (Variation ID:135158). Evolutionary conservation and computational predictive tools suggest that this variant may not impact the protein. In summary, this variant is not expected to cause disease and is classified as benign

PreventionGenetics, part of Exact Sciences
Classification: Benign. Review status: criteria provided, single submitter. Criteria: ACMG Guidelines, 2015. Collection method: clinical testing. Allele origin: germline.

ITMI
No classification provided. Condition: AllHighlyPenetrant. Last evaluated: 2013-09-19. Review status: no classification provided. Collection method: reference population. Allele origin: germline. Not counted in ClinVar's aggregate classification.
Comment: Please see associated publication for description of ethnicities

Dr. Peter K. Rogan Lab, Western University
No classification provided (evidence only). Condition: Lung cancer. Review status: no classification provided. Collection method: in vitro. Allele origin: not applicable. Functional consequence: retained intron. Not counted in ClinVar's aggregate classification.

Dr. Peter K. Rogan Lab, Western University
No classification provided (evidence only). Condition: Melanoma. Review status: no classification provided. Collection method: in vitro. Allele origin: not applicable. Functional consequence: retained intron. Not counted in ClinVar's aggregate classification.

Dr. Peter K. Rogan Lab, Western University
No classification provided (evidence only). Condition: Melanoma. Review status: no classification provided. Collection method: in vitro. Allele origin: not applicable. Functional consequence: retained intron. Not counted in ClinVar's aggregate classification.

Dr. Peter K. Rogan Lab, Western University
No classification provided (evidence only). Condition: Melanoma. Review status: no classification provided. Collection method: in vitro. Allele origin: not applicable. Functional consequence: retained intron. Not counted in ClinVar's aggregate classification.

Dr. Peter K. Rogan Lab, Western University
No classification provided (evidence only). Condition: Melanoma. Review status: no classification provided. Collection method: in vitro. Allele origin: not applicable. Functional consequence: retained intron. Not counted in ClinVar's aggregate classification.

Dr. Peter K. Rogan Lab, Western University
No classification provided (evidence only). Condition: Melanoma. Review status: no classification provided. Collection method: in vitro. Allele origin: not applicable. Functional consequence: retained intron. Not counted in ClinVar's aggregate classification.

Dr. Peter K. Rogan Lab, Western University
No classification provided (evidence only). Condition: Melanoma. Review status: no classification provided. Collection method: in vitro. Allele origin: not applicable. Functional consequence: retained intron. Not counted in ClinVar's aggregate classification.

Dr. Peter K. Rogan Lab, Western University
No classification provided (evidence only). Condition: Acute myeloid leukemia. Review status: no classification provided. Collection method: in vitro. Allele origin: not applicable. Functional consequence: retained intron. Not counted in ClinVar's aggregate classification.

Dr. Peter K. Rogan Lab, Western University
No classification provided (evidence only). Condition: Thyroid cancer, nonmedullary, 1. Review status: no classification provided. Collection method: in vitro. Allele origin: not applicable. Functional consequence: retained intron. Not counted in ClinVar's aggregate classification.

Dr. Peter K. Rogan Lab, Western University
No classification provided (evidence only). Condition: Thyroid cancer, nonmedullary, 1. Review status: no classification provided. Collection method: in vitro. Allele origin: not applicable. Functional consequence: retained intron. Not counted in ClinVar's aggregate classification.

Dr. Peter K. Rogan Lab, Western University
No classification provided (evidence only). Condition: Cervical cancer. Review status: no classification provided. Collection method: in vitro. Allele origin: not applicable. Functional consequence: retained intron. Not counted in ClinVar's aggregate classification.

Dr. Peter K. Rogan Lab, Western University
No classification provided (evidence only). Condition: Cervical cancer. Review status: no classification provided. Collection method: in vitro. Allele origin: not applicable. Functional consequence: retained intron. Not counted in ClinVar's aggregate classification.

Dr. Peter K. Rogan Lab, Western University
No classification provided (evidence only). Condition: Cervical cancer. Review status: no classification provided. Collection method: in vitro. Allele origin: not applicable. Functional consequence: retained intron. Not counted in ClinVar's aggregate classification.

Dr. Peter K. Rogan Lab, Western University
No classification provided (evidence only). Condition: Cervical cancer. Review status: no classification provided. Collection method: in vitro. Allele origin: not applicable. Functional consequence: retained intron. Not counted in ClinVar's aggregate classification.

Dr. Peter K. Rogan Lab, Western University
No classification provided (evidence only). Condition: Cervical cancer. Review status: no classification provided. Collection method: in vitro. Allele origin: not applicable. Functional consequence: retained intron. Not counted in ClinVar's aggregate classification.

Dr. Peter K. Rogan Lab, Western University
No classification provided (evidence only). Condition: Cervical cancer. Review status: no classification provided. Collection method: in vitro. Allele origin: not applicable. Functional consequence: retained intron. Not counted in ClinVar's aggregate classification.

Dr. Peter K. Rogan Lab, Western University
No classification provided (evidence only). Condition: Sarcoma. Review status: no classification provided. Collection method: in vitro. Allele origin: not applicable. Functional consequence: retained intron. Not counted in ClinVar's aggregate classification.

Dr. Peter K. Rogan Lab, Western University
No classification provided (evidence only). Condition: Hepatocellular carcinoma. Review status: no classification provided. Collection method: in vitro. Allele origin: not applicable. Functional consequence: retained intron. Not counted in ClinVar's aggregate classification.